The following is an entry in ClinVar:

NM_000368.5(TSC1):c.*841C>T

Gene: TSC1 (TSC complex subunit 1; minus strand). Cytogenetic location: 9q34.13.
Variant type: single nucleotide variant.
Coding change: c.*841C>T on transcript NM_000368.5 (MANE Select); 841 bases downstream of the stop codon, C replaced by T.
Molecular consequence: 3 prime UTR variant.
Genome position (GRCh38, 1-based): chr9:132,895,394, G>A on the plus strand (C>T on the coding strand, the complement: TSC1 is on the minus strand). VCF-style: chr9-132895394-G-A. GRCh37 (hg19) VCF-style: chr9-135770781-G-A.
Other names: c.*841C>T (NM_001162426.2, NM_001162427.2, NM_001362177.2).
Identifiers: ClinVar variation 365488 (VCV000365488.5), dbSNP rs149902841, ClinGen allele CA10632694.
Genomic context (GRCh38, chr9:132,895,394, plus strand): 5'-AAAAGGCCCAGCAAGCTGAGATGGCCTAAAGGTGCAGTTCCTCATGCTCAAGTGCTTCTC[G>A]GGTAACCTCTCCCAGTGACTGCTCCTTCCCTCCTATGGAGAACAGGTTTTACCACCTACA-3'

ClinVar aggregate classification (germline): Benign. Review status: criteria provided, single submitter (1 of 4 stars). 2 submissions from 1 submitter: Benign (2). Last evaluated 2018-01-12.

Conditions:
Isolated focal cortical dysplasia type II (FCORD2). Also called: CORTICAL DYSPLASIA OF TAYLOR; Focal cortical dysplasia type II. Identifiers: Orphanet 268994, MedGen C1846385, MONDO:0011818, OMIM 607341, HP:0032051.
Tuberous sclerosis 1 (TSC1). Identifiers: Orphanet 805, MedGen C1854465, MONDO:0008612, OMIM 191100.

Allele frequency attached by ClinVar (database versions not stated): gnomAD exomes 0.00396; 1000 Genomes Project 0.00938; gnomAD 0.00963 and 0.01013; 1000 Genomes Project 30x 0.00999; TOPMed 0.01030.
gnomAD v4.1: 1,766 of 233,476 alleles (0.76%); highest among the groups gnomAD compares: African/African-American, 2.8%; 14 homozygotes.

Submissions (2):

Illumina Laboratory Services, Illumina
Classification: Benign for Isolated focal cortical dysplasia type II. Last evaluated: 2018-01-12. Review status: criteria provided, single submitter. Criteria: ICSL Variant Classification Criteria 13 December 2019. Collection method: clinical testing. Allele origin: germline.
Comment: This variant was observed in the ICSL laboratory as part of a predisposition screen in an ostensibly healthy population. It had not been previously curated by ICSL or reported in the Human Gene Mutation Database (HGMD: prior to June 1st, 2018), and was therefore a candidate for classification through an automated scoring system. Utilizing variant allele frequency, disease prevalence and penetrance estimates, and inheritance mode, an automated score was calculated to assess if this variant is too frequent to cause the disease. Based on the score and internal cut-off values, a variant classified as benign is not then subjected to further curation. The score for this variant resulted in a classification of benign for this disease.

Illumina Laboratory Services, Illumina
Classification: Benign for Tuberous sclerosis 1. Last evaluated: 2018-01-12. Review status: criteria provided, single submitter. Criteria: ICSL Variant Classification Criteria 13 December 2019. Collection method: clinical testing. Allele origin: germline.
Comment: the same text as in the submission from Illumina Laboratory Services, Illumina above.